The following is an entry in ClinVar:

ClinVar aggregate classification (germline): Uncertain significance (1 of 4 stars; one submission).

Submission:

GeneDx
Classification: Uncertain significance. Last evaluated: 2024-10-09. Review status: criteria provided, single submitter. Criteria: GeneDx Variant Classification Process June 2021. Collection method: clinical testing. Allele origin: germline. Affected: yes.
Comment: Not observed at significant frequency in large population cohorts (gnomAD); In silico analysis indicates that this variant does not alter splicing; Has not been previously published as pathogenic or benign to our knowledge

NM_001005273.3(CHD3):c.37A>C (p.Ser13Arg)

Gene: CHD3 (chromodomain helicase DNA binding protein 3; plus strand). Cytogenetic location: 17p13.1.
Variant type: single nucleotide variant.
Coding change: c.37A>C on transcript NM_001005273.3 (MANE Select); coding-DNA position 37, A replaced by C.
Protein change: p.Ser13Arg; replaces serine 13 with arginine.
Molecular consequence: missense variant. On other transcripts: intron variant (1).
Genome position (GRCh38, 1-based): chr17:7,889,037, A>C. VCF-style: chr17-7889037-A-C. GRCh37 (hg19) VCF-style: chr17-7792355-A-C.
Other names: c.37A>C, p.Ser13Arg (NM_005852.4); c.278-627A>C (NM_001005271.3); short protein forms S13R.
Identifiers: ClinVar variation 3777603 (VCV003777603.1).
Genomic context (GRCh38, chr17:7,889,037, plus strand): 5'-ATTGTGGAGACTTTCTCCTGTGTGATGAAGGCGGCAGACACTGTGATCCTGTGGGCAAGA[A>C]GTAAAAATGACCAGCTGAGGATTTCTTTTCCTCCAGGACTGTGTTGGGGTGACAGGATGC-3'
Protein context (NP_001005273.1, residues 3-23): AADTVILWAR[Ser13Arg]KNDQLRISFP